The following is an entry in ClinVar:

ClinVar aggregate classification (germline): Pathogenic (1 of 4 stars; one submission).

Conditions:
Hereditary breast ovarian cancer syndrome. Also called: Hereditary breast and ovarian cancer syndrome (HBOC); Hereditary breast and/or ovarian cancer syndrome; Hereditary breast and ovarian cancer syndrome; Breast and ovarian cancer; Hereditary breast and ovarian cancer; BRCA1- and BRCA2-Associated Hereditary Breast and Ovarian Cancer. Identifiers: Orphanet 145, MedGen C0677776, MeSH D061325, MONDO:0003582. Disease mechanism: loss of function.

Submission:

Labcorp Genetics (formerly Invitae), Labcorp
Classification: Pathogenic for Hereditary breast ovarian cancer syndrome. Last evaluated: 2023-08-30. Review status: criteria provided, single submitter. Criteria: Invitae Variant Classification Sherloc (09022015). Collection method: clinical testing. Allele origin: germline.
Comment: For these reasons, this variant has been classified as Pathogenic. This variant disrupts a region of the BRCA2 protein in which other variant(s) (p.Tyr3308*) have been determined to be pathogenic (PMID: 18593900, 18607349). This suggests that this is a clinically significant region of the protein, and that variants that disrupt it are likely to be disease-causing. This variant disrupts a stretch of 36 conserved residues (amino acids Ala3270-Gly3305) in BRCA2 which are critical for RAD51-mediated DNA repair activity of the BRCA2 protein (PMID: 17515903, 24323938). While functional studies have not been performed to directly test the effect of this variant on BRCA2 protein function, this suggests that disruption of this region of the protein is causative of disease. This variant has not been reported in the literature in individuals affected with BRCA2-related conditions. This variant is not present in population databases (gnomAD no frequency). This sequence change creates a premature translational stop signal (p.Pro3301Glnfs*12) in the BRCA2 gene. While this is not anticipated to result in nonsense mediated decay, it is expected to disrupt the last 118 amino acid(s) of the BRCA2 protein.

Literature cited by the submitters: PubMed 18593900; PubMed 18607349; PubMed 17515903; PubMed 24323938.

NM_000059.4(BRCA2):c.9902del (p.Pro3301fs)

Gene: BRCA2 (BRCA2 DNA repair associated; plus strand). Cytogenetic location: 13q13.1.
Variant type: Deletion.
Coding change: c.9902del on transcript NM_000059.4 (MANE Select); coding-DNA position 9902, one base deleted (C; older notation c.9902delC).
Protein change: p.Pro3301fs; shifts the reading frame from proline 3301.
Molecular consequence: frameshift variant. On other transcripts: non-coding transcript variant (1).
Genome position (GRCh38, 1-based): chr13:32,398,415, C deleted; the last of 2 consecutive C bases (chr13:32,398,414-32,398,415); deleting either gives the same sequence. VCF-style (leftmost placement, unchanged base first): chr13-32398413-AC-A. GRCh37 (hg19) VCF-style: chr13-32972550-AC-A.
Other names: c.9806del, p.Pro3269fs (NM_001406719.1); c.9851del, p.Pro3284fs (NM_001406720.1); c.4970del, p.Pro1657fs (NM_001406721.1); c.3485del, p.Pro1162fs (NM_001406722.1); short protein forms P1162fs, P1657fs, P3301fs, P3269fs, P3284fs.
Identifiers: ClinVar variation 2756454 (VCV002756454.3), dbSNP rs1465263505, ClinGen allele CA697350101.